The following is an entry in ClinVar:

ClinVar aggregate classification (germline): Uncertain significance (1 of 4 stars; one submission).

Conditions:
Polycystic kidney disease, adult type (PKD1). Also called: Polycystic Kidney Disease 1, Autosomal Dominant; POLYCYSTIC KIDNEY DISEASE, ADULT, TYPE I; Polycystic kidney disease 1; Polycystic kidney disease 1, severe; POLYCYSTIC KIDNEY DISEASE 1 WITH OR WITHOUT POLYCYSTIC LIVER DISEASE; Polycystic Kidney, Autosomal Dominant. Identifiers: MedGen C3149841, MONDO:0008263, OMIM 173900.

Submission:

MVZ Medizinische Genetik Mainz
Classification: Uncertain significance for Polycystic kidney disease, adult type. Last evaluated: 2026-07-07. Review status: criteria provided, single submitter. Criteria: UK Practice Guidelines For Variant Classification V4 01 2020. Collection method: clinical testing. Allele origin: germline. Inheritance: Autosomal dominant inheritance. Affected: yes. Observed: 1 variant allele.
Comment: ACMG Criteria: PM2_SUP,PM4_SUP,PP3,PP4

NM_001009944.3(PKD1):c.1723-1_1724dup

Gene: PKD1 (polycystin 1, transient receptor potential channel interacting; minus strand). Cytogenetic location: 16p13.3.
Variant type: Duplication.
Coding change: c.1723-1_1724dup on transcript NM_001009944.3 (MANE Select); the canonical splice acceptor site of the intron before coding-DNA position 1723 through coding-DNA position 1724, 3 bases duplicated (GGT; older notation c.1723-1_1724dupGGT).
Molecular consequence: splice acceptor variant.
Genome position (GRCh38, 1-based): chr16:2,116,117-2,116,119, ACC duplicated on the plus strand (GGT on the coding strand, the reverse complement: PKD1 is on the minus strand). VCF-style (leftmost placement, unchanged base first): chr16-2116116-G-GACC. GRCh37 (hg19) VCF-style: chr16-2166117-G-GACC.
Other names: c.1723-1_1724dup (NM_000296.4).
Identifiers: ClinVar variation 5038136 (VCV005038136.1).